The following is an entry in ClinVar:

NM_004638.4(PRRC2A):c.5904C>A (p.Gly1968=)

Gene: PRRC2A (proline rich coiled-coil 2A; plus strand). Cytogenetic location: 6p21.33.
Variant type: single nucleotide variant.
Coding change: c.5904C>A on transcript NM_004638.4 (MANE Select); coding-DNA position 5904, C replaced by A.
Protein change: p.Gly1968=; no amino-acid change (glycine 1968 retained).
Molecular consequence: synonymous variant.
Genome position (GRCh38, 1-based): chr6:31,636,578, C>A. VCF-style: chr6-31636578-C-A. GRCh37 (hg19) VCF-style: chr6-31604355-C-A.
Other names: c.5904C>A, p.Gly1968= (NM_080686.3).
Identifiers: ClinVar variation 3056213 (VCV003056213.2), dbSNP rs35502919, ClinGen allele CA3716679.

ClinVar aggregate classification (germline): Benign (0 of 4 stars; one submission).

Conditions:
PRRC2A-related disorder. Also called: PRRC2A-related condition.

Allele frequency attached by ClinVar (database versions not stated): 1000 Genomes Project 30x 0.00953; 1000 Genomes Project 0.01018; TOPMed 0.02239; gnomAD 0.02431; ExAC 0.02445; ESP Exome Variant Server 0.03187; gnomAD exomes 0.04446.

Submission:

PreventionGenetics, part of Exact Sciences
Classification: Benign for PRRC2A-related condition. Last evaluated: 2019-02-22. Review status: no assertion criteria provided. Collection method: clinical testing. Allele origin: germline.
Comment: This variant is classified as benign based on ACMG/AMP sequence variant interpretation guidelines (Richards et al. 2015 PMID: 25741868, with internal and published modifications).